The following is an entry in ClinVar:

NM_007294.4(BRCA1):c.3904G>T (p.Glu1302Ter)

Genes: BRCA1 (BRCA1 DNA repair associated; minus strand), LOC126862571 (BRD4-independent group 4 enhancer GRCh37_chr17:41243136-41244335; plus strand). Cytogenetic location: 17q21.31.
Variant type: single nucleotide variant.
Coding change: c.3904G>T on transcript NM_007294.4 (MANE Select); coding-DNA position 3904, G replaced by T.
Protein change: p.Glu1302Ter; replaces glutamic acid 1302 with a stop codon.
Molecular consequence: nonsense. On other transcripts: intron variant (135).
Genome position (GRCh38, 1-based): chr17:43,091,627, C>A on the plus strand (G>T on the coding strand, the complement: BRCA1 is on the minus strand). VCF-style: chr17-43091627-C-A. GRCh37 (hg19) VCF-style: chr17-41243644-C-A.
Other names: 4023G>T; c.788-595G>T (NM_001407993.1, NM_001407976.1, NM_001408404.1 and 17 more transcripts); c.653-595G>T (NM_001408451.1); c.644-595G>T (NM_001408464.1, NM_001408468.1, NM_001408465.1 and 3 more transcripts); c.524-595G>T (NM_001408498.1, NM_001408501.1, NM_001408500.1 and 3 more transcripts); c.647-595G>T (NM_001408467.1, NM_001408459.1, NM_001408455.1 and 11 more transcripts); c.584-595G>T (NM_001408475.1); c.710-595G>T (NM_001408412.1, NM_001408409.1, NM_001408414.1 and 2 more transcripts); and 42 more; short protein forms E1302*, E1255*, E1175*, E1190*, E1231*, E1301*, E1006*, E1174*.
Identifiers: ClinVar variation 55045 (VCV000055045.37), dbSNP rs80357461, ClinGen allele CA002513.

ClinVar aggregate classification (germline): Pathogenic. Review status: reviewed by expert panel (3 of 4 stars). 15 submissions from 15 submitters: Pathogenic (1). 14 of the submissions do not count toward it. Last evaluated 2016-09-08.

Conditions:
Hereditary cancer-predisposing syndrome. Also called: Hereditary Cancer Syndrome; Hereditary neoplastic syndrome; Neoplastic Syndromes, Hereditary; Tumor predisposition. Identifiers: Orphanet 140162, MedGen C0027672, MeSH D009386, MONDO:0015356.
Hereditary breast ovarian cancer syndrome. Also called: BRCA1- and BRCA2-Associated Hereditary Breast and Ovarian Cancer; Hereditary breast and ovarian cancer syndrome; Hereditary breast and ovarian cancer syndrome (HBOC); Breast and ovarian cancer; Hereditary breast and/or ovarian cancer syndrome; Hereditary breast and ovarian cancer. Identifiers: Orphanet 145, MedGen C0677776, MeSH D061325, MONDO:0003582. Disease mechanism: loss of function.
Breast-ovarian cancer, familial, susceptibility to, 1 (BROVCA1). Also called: BRCA1 Hereditary Breast and Ovarian Cancer; OVARIAN CANCER, SUSCEPTIBILITY TO. Identifiers: Orphanet 145, MedGen C2676676, MONDO:0011450, OMIM 604370. Disease mechanism: loss of function.

Allele frequency attached by ClinVar (database versions not stated): gnomAD exomes below 0.00001.
gnomAD v4.1: 1 of 1,614,216 alleles (0.000062%); highest among the groups gnomAD compares: Non-Finnish European, 0.000085%; no homozygotes.

Submissions 1 to 10 of 15:

Evidence-based Network for the Interpretation of Germline Mutant Alleles (ENIGMA)
Classification: Pathogenic for Breast-ovarian cancer, familial, susceptibility to, 1. Last evaluated: 2016-09-08. Review status: reviewed by expert panel. Criteria: ENIGMA BRCA1/2 Classification Criteria (2015). Collection method: curation. Allele origin: germline.
Comment: Variant allele predicted to encode a truncated non-functional protein.

Center for Genomic Medicine, Rigshospitalet, Copenhagen University Hospital
Classification: Pathogenic. Last evaluated: 2025-03-04. Review status: criteria provided, single submitter. Criteria: ACMG Guidelines, 2015. Collection method: clinical testing. Allele origin: germline. Not counted in ClinVar's aggregate classification.

Ambry Genetics
Classification: Pathogenic for Hereditary cancer-predisposing syndrome. Last evaluated: 2025-01-27. Review status: criteria provided, single submitter. Criteria: Ambry Variant Classification Scheme 2023. Collection method: clinical testing. Allele origin: germline. Not counted in ClinVar's aggregate classification.
Comment: The p.E1302* pathogenic mutation (also known as c.3904G>T), located in coding exon 9 of the BRCA1 gene, results from a G to T substitution at nucleotide position 3904. This changes the amino acid from a glutamic acid to a stop codon within coding exon 9. This alteration has been reported in multiple individuals diagnosed with breast and/or ovarian cancer (Ramus SJ et al. Hum. Mutat. 2007 Dec; 28(12):1207-15; Nielsen HR et al. Fam. Cancer 2016 Feb; Marchetti C et al. Ann Surg Oncol, 2018 Nov;25:3701-3708; Fanale D et al. Cancers (Basel), 2020 Aug;12:; Incorvaia L et al. Ther Adv Med Oncol, 2020 Dec;12:1758835920975326; Dorling et al. N Engl J Med. 2021 02;384:428-439). This alteration was also identified in a large, worldwide study of BRCA1/2 mutation positive families (Rebbeck TR et al. Hum Mutat, 2018 05;39:593-620). This variant is considered to be rare based on population cohorts in the Genome Aggregation Database (gnomAD). In addition to the clinical data presented in the literature, this alteration is expected to result in loss of function by premature protein truncation or nonsense-mediated mRNA decay. As such, this alteration is interpreted as a disease-causing mutation.

Department of Clinical Genetics, Copenhagen University Hospital, Rigshospitalet
Classification: Pathogenic for Breast-ovarian cancer, familial, susceptibility to, 1. Last evaluated: 2024-05-27. Review status: criteria provided, single submitter. Criteria: ACMG Guidelines, 2015. Collection method: clinical testing. Allele origin: germline. Affected: yes. Not counted in ClinVar's aggregate classification.
Comment: PVS1; PM2_supporting; PM5_PTC_Strong

Quest Diagnostics Nichols Institute San Juan Capistrano
Classification: Pathogenic. Last evaluated: 2024-02-02. Review status: criteria provided, single submitter. Criteria: Quest Diagnostics criteria. Collection method: clinical testing. Allele origin: unknown. Not counted in ClinVar's aggregate classification.
Comment: The BRCA1 c.3904G>T (p.Glu1302*) variant causes the premature termination of BRCA1 protein synthesis. This variant has been reported in the published literature in several affected individuals with breast and/or ovarian cancer (PMIDs: 17688236 (2007), 26833046 (2016), 30128899 (2018), 32854451 (2020), and 33403015 (2020)). It was also reported in an individual with breast cancer in a large scale breast cancer association study (PMID: 33471991 (2021), see also LOVD). A functional study demonstrated that this variant had an inconclusive effect on protein function (PMID: 15781624 (2005)). This variant has not been reported in large, multi-ethnic general populations (Genome Aggregation Database). Based on the available information, this variant is classified as pathogenic.

Women's Health and Genetics/Laboratory Corporation of America, LabCorp
Classification: Pathogenic for Hereditary breast ovarian cancer syndrome. Last evaluated: 2023-11-24. Review status: criteria provided, single submitter. Criteria: LabCorp Variant Classification Summary - May 2015. Collection method: clinical testing. Allele origin: germline. Not counted in ClinVar's aggregate classification.
Comment: Variant summary: BRCA1 c.3904G>T (p.Glu1302X) results in a premature termination codon, predicted to cause a truncation of the encoded protein or absence of the protein due to nonsense mediated decay, which are commonly known mechanisms for disease. The variant was absent in 251170 control chromosomes. c.3904G>T has been reported in the literature in multiple individuals affected with or with family history of Hereditary Breast And Ovarian Cancer Syndrome (HBOC) (e.g. Judkins_2005, Lecarpentier_2012, Ramus_2007, Sirchia_2005, Rebbeck_2018). These data indicate that the variant is very likely to be associated with disease. At least one publication reports experimental evidence evaluating an impact on protein function, however, does not allow convincing conclusions about the variant effect (e.g. Sirchia_2005). Seven submitters have cited clinical-significance assessments for this variant to ClinVar after 2014. All submitters classified the variant as pathogenic. Based on the evidence outlined above, the variant was classified as pathogenic.

Labcorp Genetics (formerly Invitae), Labcorp
Classification: Pathogenic for Hereditary breast ovarian cancer syndrome. Last evaluated: 2023-11-17. Review status: criteria provided, single submitter. Criteria: Invitae Variant Classification Sherloc (09022015). Collection method: clinical testing. Allele origin: germline. Not counted in ClinVar's aggregate classification.
Comment: This sequence change creates a premature translational stop signal (p.Glu1302*) in the BRCA1 gene. It is expected to result in an absent or disrupted protein product. Loss-of-function variants in BRCA1 are known to be pathogenic (PMID: 20104584). This variant is not present in population databases (gnomAD no frequency). This premature translational stop signal has been observed in individual(s) with breast cancer (PMID: 17688236). ClinVar contains an entry for this variant (Variation ID: 55045). RNA analysis performed to evaluate the impact of this premature translational stop signal on mRNA splicing indicates it does not significantly alter splicing (Invitae). For these reasons, this variant has been classified as Pathogenic.

GeneDx
Classification: Pathogenic. Last evaluated: 2023-08-04. Review status: criteria provided, single submitter. Criteria: GeneDx Variant Classification Process June 2021. Collection method: clinical testing. Allele origin: germline. Affected: yes. Not counted in ClinVar's aggregate classification.
Comment: Nonsense variant predicted to result in protein truncation or nonsense mediated decay in a gene for which loss of function is a known mechanism of disease; Not observed at significant frequency in large population cohorts (gnomAD); Truncating variants in this gene are considered pathogenic by a well-established clinical consortium and/or database; Observed in individuals with personal or family history of breast or ovarian cancer (Casadei et al., 2001; Judkins et al., 2005; Ramus et al., 2007; Nielsen et al., 2016); Also known as 4023G>T; This variant is associated with the following publications: (PMID: 19826428, 25525159, 17688236, 16267036, 26833046, 22762150, 32854451, 29446198, 11556835, 15781624, 30128899, 33403015, 33471991, 31209999, 31853058, 29884841, 32377563, 37460658, 32380732)

Clinical Genetics Laboratory, Skane University Hospital Lund
Classification: Pathogenic. Last evaluated: 2022-05-27. Review status: criteria provided, single submitter. Criteria: ACMG Guidelines, 2015. Collection method: clinical testing. Allele origin: germline. Affected: yes. Not counted in ClinVar's aggregate classification.

Color Diagnostics, LLC DBA Color Health
Classification: Pathogenic for Hereditary cancer-predisposing syndrome. Last evaluated: 2020-01-15. Review status: criteria provided, single submitter. Criteria: ACMG Guidelines, 2015. Collection method: clinical testing. Allele origin: germline. Not counted in ClinVar's aggregate classification.
Comment: This variant changes 1 nucleotide in exon 10 of the BRCA1 gene, creating a premature translation stop signal. This variant is expected to result in an absent or non-functional protein product. This variant has not been identified in the general population by the Genome Aggregation Database (gnomAD). Loss of BRCA1 function is a known mechanism of disease. Based on the available evidence, this variant is classified as Pathogenic.